The following is an entry in ClinVar:

NM_001256789.3(CACNA1F):c.4760G>A (p.Arg1587Gln)

Genes: CACNA1F (calcium voltage-gated channel subunit alpha1 F; minus strand), LOC126863257 (BRD4-independent group 4 enhancer GRCh37_chrX:49065732-49066931; plus strand). Cytogenetic location: Xp11.23.
Variant type: single nucleotide variant.
Coding change: c.4760G>A on transcript NM_001256789.3 (MANE Select); coding-DNA position 4760, G replaced by A.
Protein change: p.Arg1587Gln; replaces arginine 1587 with glutamine.
Molecular consequence: missense variant.
Genome position (GRCh38, 1-based): chrX:49,209,690, C>T on the plus strand (G>A on the coding strand, the complement: CACNA1F is on the minus strand). VCF-style: chrX-49209690-C-T. GRCh37 (hg19) VCF-style: chrX-49066150-C-T.
Other names: c.4598G>A, p.Arg1533Gln (NM_001256790.3); c.4793G>A, p.Arg1598Gln (NM_005183.4); short protein forms R1598Q, R1587Q, R1533Q.
Identifiers: ClinVar variation 1517472 (VCV001517472.8), dbSNP rs782373324, ClinGen allele CA10410126.

ClinVar aggregate classification (germline): Uncertain significance (1 of 4 stars; one submission).

Allele frequency attached by ClinVar (database versions not stated): gnomAD exomes 0.00002; gnomAD 0.00003 and 0.00004; TOPMed 0.00005.

Submission:

Labcorp Genetics (formerly Invitae), Labcorp
Classification: Uncertain significance. Last evaluated: 2024-11-27. Review status: criteria provided, single submitter. Criteria: Invitae Variant Classification Sherloc (09022015). Collection method: clinical testing. Allele origin: germline.
Comment: This sequence change replaces arginine, which is basic and polar, with glutamine, which is neutral and polar, at codon 1598 of the CACNA1F protein (p.Arg1598Gln). This variant is present in population databases (rs782373324, gnomAD 0.007%). This variant has not been reported in the literature in individuals affected with CACNA1F-related conditions. ClinVar contains an entry for this variant (Variation ID: 1517472). Invitae Evidence Modeling of protein sequence and biophysical properties (such as structural, functional, and spatial information, amino acid conservation, physicochemical variation, residue mobility, and thermodynamic stability) indicates that this missense variant is not expected to disrupt CACNA1F protein function with a negative predictive value of 80%. In summary, the available evidence is currently insufficient to determine the role of this variant in disease. Therefore, it has been classified as a Variant of Uncertain Significance.